The following is an entry in ClinVar:

ClinVar aggregate classification (germline): Uncertain significance (1 of 4 stars; one submission).

Conditions:
Bardet-Biedl syndrome (BBS). Identifiers: Orphanet 110, MedGen C0752166, MONDO:0015229.

Submission:

Labcorp Genetics (formerly Invitae), Labcorp
Classification: Uncertain significance for Bardet-Biedl syndrome. Last evaluated: 2022-06-20. Review status: criteria provided, single submitter. Criteria: Invitae Variant Classification Sherloc (09022015). Collection method: clinical testing. Allele origin: germline.
Comment: In summary, the available evidence is currently insufficient to determine the role of this variant in disease. Therefore, it has been classified as a Variant of Uncertain Significance. Algorithms developed to predict the effect of missense changes on protein structure and function output the following: SIFT: "Tolerated"; PolyPhen-2: "Benign"; Align-GVGD: "Class C0". The aspartic acid amino acid residue is found in multiple mammalian species, which suggests that this missense change does not adversely affect protein function. This variant has not been reported in the literature in individuals affected with BBS12-related conditions. This variant is not present in population databases (gnomAD no frequency). This sequence change replaces glycine, which is neutral and non-polar, with aspartic acid, which is acidic and polar, at codon 706 of the BBS12 protein (p.Gly706Asp).

NM_152618.3(BBS12):c.2117G>A (p.Gly706Asp)

Gene: BBS12 (Bardet-Biedl syndrome 12; plus strand). Cytogenetic location: 4q27.
Variant type: single nucleotide variant.
Coding change: c.2117G>A on transcript NM_152618.3 (MANE Select); coding-DNA position 2117, G replaced by A.
Protein change: p.Gly706Asp; replaces glycine 706 with aspartic acid.
Molecular consequence: missense variant.
Genome position (GRCh38, 1-based): chr4:122,744,009, G>A. VCF-style: chr4-122744009-G-A. GRCh37 (hg19) VCF-style: chr4-123665164-G-A.
Other names: c.2117G>A, p.Gly706Asp (NM_001178007.2); short protein forms G706D.
Identifiers: ClinVar variation 1427533 (VCV001427533.6), dbSNP rs759180956, ClinGen allele CA358226599.